The following is an entry in ClinVar:

ClinVar aggregate classification (germline): Conflicting classifications of pathogenicity. Review status: criteria provided, conflicting classifications (1 of 4 stars). 7 submissions from 6 submitters: Uncertain significance (1); Benign (2); Likely benign (3). 1 of the submissions does not count toward it. Last evaluated 2026-01-15.

Conditions:
TSHR-related disorder. Also called: TSHR-related disorders; TSHR-related condition.
Hypothyroidism due to TSH receptor mutations. Also called: Hypothyroidism, congenital, nongoitrous, 1; HYPOTHYROIDISM DUE TO UNRESPONSIVENESS TO THYROTROPIN; HYPOTHYROIDISM, CONGENITAL, DUE TO TSH RESISTANCE; HYPOTHYROIDISM, NONAUTOIMMUNE; THYROID-STIMULATING HORMONE, RESISTANCE TO; TSH RESISTANCE. Identifiers: Orphanet 90673, MedGen C3493776, MONDO:0010142, OMIM 275200.
Familial hyperthyroidism due to mutations in TSH receptor. Also called: TOXIC THYROID HYPERPLASIA, AUTOSOMAL DOMINANT; HYPERTHYROIDISM, CONGENITAL NONAUTOIMMUNE; HYPERTHYROIDISM, NONAUTOIMMUNE, AUTOSOMAL DOMINANT. Identifiers: Orphanet 424, MedGen C1836706, MONDO:0012203, OMIM 609152.

Allele frequency attached by ClinVar (database versions not stated): gnomAD 0.00298 and 0.00357; TOPMed 0.00335; ESP Exome Variant Server 0.00361; 1000 Genomes Project 30x 0.00453; gnomAD exomes 0.00491 and 0.00579; 1000 Genomes Project 0.00519; ExAC 0.00557.
gnomAD v4.1: 7,899 of 1,614,180 alleles (0.49%); highest among the groups gnomAD compares: Middle Eastern, 2.5%; 65 homozygotes.

Submissions (7):

Labcorp Genetics (formerly Invitae), Labcorp
Classification: Benign. Last evaluated: 2026-01-15. Review status: criteria provided, single submitter. Criteria: Invitae Variant Classification Sherloc (09022015). Collection method: clinical testing. Allele origin: germline.

Genomic Medicine Center of Excellence, King Faisal Specialist Hospital and Research Centre
Classification: Likely benign for Familial hyperthyroidism due to mutations in TSH receptor. Last evaluated: 2025-07-30. Review status: criteria provided, single submitter. Criteria: ACMG Guidelines, 2015. Collection method: clinical testing. Allele origin: germline.

Genetics and Molecular Pathology, SA Pathology
Classification: Likely benign for Familial hyperthyroidism due to mutations in TSH receptor. Last evaluated: 2020-06-04. Review status: criteria provided, single submitter. Criteria: ACMG Guidelines, 2015. Collection method: clinical testing. Allele origin: germline. Inheritance: Autosomal dominant inheritance. Affected: yes.

Illumina Laboratory Services, Illumina
Classification: Benign for Familial hyperthyroidism due to mutations in TSH receptor. Last evaluated: 2018-01-13. Review status: criteria provided, single submitter. Criteria: ICSL Variant Classification Criteria 13 December 2019. Collection method: clinical testing. Allele origin: germline.
Comment: This variant was observed in the ICSL laboratory as part of a predisposition screen in an ostensibly healthy population. It had not been previously curated by ICSL or reported in the Human Gene Mutation Database (HGMD: prior to June 1st, 2018), and was therefore a candidate for classification through an automated scoring system. Utilizing variant allele frequency, disease prevalence and penetrance estimates, and inheritance mode, an automated score was calculated to assess if this variant is too frequent to cause the disease. Based on the score and internal cut-off values, a variant classified as benign is not then subjected to further curation. The score for this variant resulted in a classification of benign for this disease.

Illumina Laboratory Services, Illumina
Classification: Uncertain significance for Hypothyroidism due to TSH receptor mutations. Last evaluated: 2018-01-13. Review status: criteria provided, single submitter. Criteria: ICSL Variant Classification Criteria 13 December 2019. Collection method: clinical testing. Allele origin: germline.

Genomic Diagnostic Laboratory, Division of Genomic Diagnostics, Children's Hospital of Philadelphia
Classification: Likely benign. Last evaluated: 2015-02-19. Review status: criteria provided, single submitter. Criteria: DGD Variant Analysis Guidelines. Collection method: clinical testing. Allele origin: unknown.

PreventionGenetics, part of Exact Sciences
Classification: Benign for TSHR-related condition. Last evaluated: 2019-09-10. Review status: no assertion criteria provided. Collection method: clinical testing. Allele origin: germline. Not counted in ClinVar's aggregate classification.
Comment: This variant is classified as benign based on ACMG/AMP sequence variant interpretation guidelines (Richards et al. 2015 PMID: 25741868, with internal and published modifications).

NM_000369.5(TSHR):c.881+3A>G

Genes: TSHR (thyroid stimulating hormone receptor; plus strand), TSHR-AS1 (TSHR antisense RNA 1; minus strand). Cytogenetic location: 14q31.1.
Variant type: single nucleotide variant.
Coding change: c.881+3A>G on transcript NM_000369.5 (MANE Select); 3 bases into the intron after coding-DNA position 881, A replaced by G.
Molecular consequence: intron variant.
Genome position (GRCh38, 1-based): chr14:81,139,870, A>G. VCF-style: chr14-81139870-A-G. GRCh37 (hg19) VCF-style: chr14-81606214-A-G.
Identifiers: ClinVar variation 218440 (VCV000218440.17), dbSNP rs186091357, ClinGen allele CA248905.